The following is an entry in ClinVar:

ClinVar aggregate classification (germline): Uncertain significance. Review status: criteria provided, multiple submitters, no conflicts (2 of 4 stars). 2 submissions from 2 submitters: Uncertain significance (2). Last evaluated 2024-09-20.

Allele frequency attached by ClinVar (database versions not stated): TOPMed 0.00002.
gnomAD v4.1: 61 of 1,613,312 alleles (0.0038%); highest among the groups gnomAD compares: East Asian, 0.051%; no homozygotes.

Submissions (2):

Ambry Genetics
Classification: Uncertain significance. Last evaluated: 2024-09-20. Review status: criteria provided, single submitter. Criteria: Ambry Variant Classification Scheme 2023. Collection method: clinical testing. Allele origin: germline.

Labcorp Genetics (formerly Invitae), Labcorp
Classification: Uncertain significance. Last evaluated: 2023-03-02. Review status: criteria provided, single submitter. Criteria: Invitae Variant Classification Sherloc (09022015). Collection method: clinical testing. Allele origin: germline.
Comment: In summary, the available evidence is currently insufficient to determine the role of this variant in disease. Therefore, it has been classified as a Variant of Uncertain Significance. Advanced modeling of protein sequence and biophysical properties (such as structural, functional, and spatial information, amino acid conservation, physicochemical variation, residue mobility, and thermodynamic stability) performed at Invitae indicates that this missense variant is not expected to disrupt TRPC3 protein function. This sequence change replaces arginine, which is basic and polar, with glutamine, which is neutral and polar, at codon 795 of the TRPC3 protein (p.Arg795Gln). This variant is present in population databases (rs201449154, gnomAD 0.03%). This variant has not been reported in the literature in individuals affected with TRPC3-related conditions.

NM_001130698.2(TRPC3):c.2384G>A (p.Arg795Gln)

Gene: TRPC3 (transient receptor potential cation channel subfamily C member 3; minus strand). Cytogenetic location: 4q27.
Variant type: single nucleotide variant.
Coding change: c.2384G>A on transcript NM_001130698.2 (MANE Select); coding-DNA position 2384, G replaced by A.
Protein change: p.Arg795Gln; replaces arginine 795 with glutamine.
Molecular consequence: missense variant.
Genome position (GRCh38, 1-based): chr4:121,902,931, C>T on the plus strand (G>A on the coding strand, the complement: TRPC3 is on the minus strand). VCF-style: chr4-121902931-C-T. GRCh37 (hg19) VCF-style: chr4-122824086-C-T.
Other names: c.2384G>A (NM_001130698.1); c.2384G>A, p.Arg795Gln (NM_001366479.2); c.2165G>A, p.Arg722Gln (NM_003305.2); short protein forms R795Q, R722Q.
Identifiers: ClinVar variation 2988083 (VCV002988083.4), dbSNP rs201449154, ClinGen allele CA3064757.